The following is an entry in ClinVar:

NM_003809.3(TNFSF12):c.202_203insA (p.Pro68fs)

Genes: TNFSF12 (TNF superfamily member 12; plus strand), TNFSF12-TNFSF13 (TNFSF12-TNFSF13 readthrough; plus strand). Cytogenetic location: 17p13.1.
Variant type: Insertion.
Coding change: c.202_203insA on transcript NM_003809.3 (MANE Select); coding-DNA positions 202 to 203, A inserted.
Protein change: p.Pro68fs; shifts the reading frame from proline 68.
Molecular consequence: frameshift variant. On other transcripts: non-coding transcript variant (1).
Genome position: GRCh38 VCF-style: chr17-7549516-C-CA. GRCh37 (hg19) VCF-style: chr17-7452833-C-CA.
Other names: c.202_203insA, p.Pro68fs (NM_172089.4); short protein forms P68fs.
Identifiers: ClinVar variation 4730012 (VCV004730012.1).

ClinVar aggregate classification (germline): Uncertain significance (1 of 4 stars; one submission).

Conditions:
Common variable immunodeficiency (CVID). Also called: Common variable hypogamma-globulinemia; Common variable agammaglobulinemia. Identifiers: Orphanet 1572, MedGen C0009447, MONDO:0015517.

Submission:

Labcorp Genetics (formerly Invitae), Labcorp
Classification: Uncertain significance for Common variable immunodeficiency. Last evaluated: 2025-12-04. Review status: criteria provided, single submitter. Criteria: Invitae Variant Classification Sherloc (09022015). Collection method: clinical testing. Allele origin: germline.
Comment: This sequence change creates a premature translational stop signal (p.Pro68Hisfs*30) in the TNFSF12 gene. It is expected to result in an absent or disrupted protein product. However, the current clinical and genetic evidence is not sufficient to establish whether loss-of-function variants in TNFSF12 cause disease. This variant is not present in population databases (gnomAD no frequency). This variant has not been reported in the literature in individuals affected with TNFSF12-related conditions. In summary, the available evidence is currently insufficient to determine the role of this variant in disease. Therefore, it has been classified as a Variant of Uncertain Significance.